The following is an entry in ClinVar:

ClinVar aggregate classification (germline): Uncertain significance (1 of 4 stars; one submission).

Conditions:
Hypertrophic cardiomyopathy. Also called: HYPERTROPHIC MYOCARDIOPATHY. Identifiers: Orphanet 217569, MedGen C0007194, MeSH D002312, MONDO:0005045, HP:0001639.

Submission:

Labcorp Genetics (formerly Invitae), Labcorp
Classification: Uncertain significance for Hypertrophic cardiomyopathy. Last evaluated: 2023-10-22. Review status: criteria provided, single submitter. Criteria: Invitae Variant Classification Sherloc (09022015). Collection method: clinical testing. Allele origin: germline.
Comment: This sequence change replaces valine, which is neutral and non-polar, with alanine, which is neutral and non-polar, at codon 1270 of the MYBPC3 protein (p.Val1270Ala). This variant is not present in population databases (gnomAD no frequency). This variant has not been reported in the literature in individuals affected with MYBPC3-related conditions. An algorithm developed to predict the effect of missense changes on protein structure and function (PolyPhen-2) suggests that this variant is likely to be disruptive. In summary, the available evidence is currently insufficient to determine the role of this variant in disease. Therefore, it has been classified as a Variant of Uncertain Significance.

NM_000256.3(MYBPC3):c.3809T>C (p.Val1270Ala)

Gene: MYBPC3 (myosin binding protein C3; minus strand). Cytogenetic location: 11p11.2.
Variant type: single nucleotide variant.
Coding change: c.3809T>C on transcript NM_000256.3 (MANE Select); coding-DNA position 3809, T replaced by C.
Protein change: p.Val1270Ala; replaces valine 1270 with alanine.
Molecular consequence: missense variant.
Genome position (GRCh38, 1-based): chr11:47,332,077, A>G on the plus strand (T>C on the coding strand, the complement: MYBPC3 is on the minus strand). VCF-style: chr11-47332077-A-G. GRCh37 (hg19) VCF-style: chr11-47353628-A-G.
Other names: short protein forms V1270A.
Identifiers: ClinVar variation 2890639 (VCV002890639.3), dbSNP rs1064793310, ClinGen allele CA380310376.